The following is an entry in ClinVar:

NM_148897.3(SDR9C7):c.301+7C>T

Gene: SDR9C7 (short chain dehydrogenase/reductase family 9C member 7; minus strand). Cytogenetic location: 12q13.3.
Variant type: single nucleotide variant.
Coding change: c.301+7C>T on transcript NM_148897.3 (MANE Select); 7 bases into the intron after coding-DNA position 301, C replaced by T.
Molecular consequence: intron variant.
Genome position (GRCh38, 1-based): chr12:56,933,954, G>A on the plus strand (C>T on the coding strand, the complement: SDR9C7 is on the minus strand). VCF-style: chr12-56933954-G-A. GRCh37 (hg19) VCF-style: chr12-57327738-G-A.
Identifiers: ClinVar variation 3046354 (VCV003046354.2), dbSNP rs141222399, ClinGen allele CA6638209.

ClinVar aggregate classification (germline): Likely benign (0 of 4 stars; one submission).

Conditions:
SDR9C7-related disorder. Also called: SDR9C7-related condition.

Allele frequency attached by ClinVar (database versions not stated): ExAC 0.00013; ESP Exome Variant Server 0.00015; gnomAD 0.00015; gnomAD exomes 0.00028; 1000 Genomes Project 30x 0.00031; 1000 Genomes Project 0.00040; TOPMed 0.00075.
gnomAD v4.1: 480 of 1,600,736 alleles (0.03%); highest among the groups gnomAD compares: Non-Finnish European, 0.034%; 1 homozygote.

Submission:

PreventionGenetics, part of Exact Sciences
Classification: Likely benign for SDR9C7-related condition. Last evaluated: 2020-12-16. Review status: no assertion criteria provided. Collection method: clinical testing. Allele origin: germline.
Comment: This variant is classified as likely benign based on ACMG/AMP sequence variant interpretation guidelines (Richards et al. 2015 PMID: 25741868, with internal and published modifications).